The following is an entry in ClinVar:

NM_206933.4(USH2A):c.12469dup (p.Ser4157fs)

Gene: USH2A (usherin; minus strand). Cytogenetic location: 1q41.
Variant type: Duplication.
Coding change: c.12469dup on transcript NM_206933.4 (MANE Select); coding-DNA position 12469, one base duplicated (T; older notation c.12469dupT).
Protein change: p.Ser4157fs; shifts the reading frame from serine 4157.
Molecular consequence: frameshift variant.
Genome position (GRCh38, 1-based): chr1:215,675,442, A duplicated on the plus strand (T on the coding strand, the reverse complement: USH2A is on the minus strand). VCF-style (leftmost placement, unchanged base first): chr1-215675441-G-GA. GRCh37 (hg19) VCF-style: chr1-215848783-G-GA.
Other names: short protein forms S4157fs.
Identifiers: ClinVar variation 1413840 (VCV001413840.8), dbSNP rs773417196, ClinGen allele CA1393460.

ClinVar aggregate classification (germline): Pathogenic/Likely pathogenic. Review status: criteria provided, multiple submitters, no conflicts (2 of 4 stars). 3 submissions from 3 submitters: Pathogenic (2); Likely pathogenic (1). Last evaluated 2025-03-26.

Conditions:
USH2A-related disorder. Also called: USH2A-related condition; USH2A-related disorders. Identifiers: MedGen CN239332.

Allele frequency attached by ClinVar (database versions not stated): gnomAD exomes below 0.00001 and 0.00001; TOPMed below 0.00001; ExAC 0.00002.

Submissions (3):

Myriad Genetics, Inc.
Classification: Pathogenic for USH2A-related disorder. Last evaluated: 2025-03-26. Review status: criteria provided, single submitter. Criteria: Myriad Autosomal Dominant, Autosomal Recessive and X-Linked Classification Criteria (2023). Collection method: clinical testing. Allele origin: unknown.
Comment: NM_206933.2(USH2A):c.12469dupT(S4157Ffs*16) is a frameshift variant classified as pathogenic in the context of USH2A-related disorders. S4157Ffs*16 has not been observed in cases with relevant disease. Relevant functional assessments of this variant are not available in the literature. S4157Ffs*16 has been observed in referenced population frequency databases. In summary, NM_206933.2(USH2A):c.12469dupT(S4157Ffs*16) is a frameshift variant in a gene where loss of function is a known mechanism of disease and is predicted to disrupt protein function. Please note: this variant was assessed in the context of healthy population screening.

Labcorp Genetics (formerly Invitae), Labcorp
Classification: Pathogenic. Last evaluated: 2022-10-27. Review status: criteria provided, single submitter. Criteria: Invitae Variant Classification Sherloc (09022015). Collection method: clinical testing. Allele origin: germline.
Comment: For these reasons, this variant has been classified as Pathogenic. ClinVar contains an entry for this variant (Variation ID: 1413840). This variant has not been reported in the literature in individuals affected with USH2A-related conditions. This variant is present in population databases (rs773417196, gnomAD 0.01%). This sequence change creates a premature translational stop signal (p.Ser4157Phefs*16) in the USH2A gene. It is expected to result in an absent or disrupted protein product. Loss-of-function variants in USH2A are known to be pathogenic (PMID: 10729113, 10909849, 20507924, 25649381).

Blueprint Genetics
Classification: Likely pathogenic for USH2A-related disorders. Last evaluated: 2022-06-13. Review status: criteria provided, single submitter. Criteria: ACMG Guidelines, 2015. Collection method: clinical testing. Allele origin: germline. Affected: yes. Observed: 1 variant allele.

Literature cited by the submitters: PubMed 10729113 (cited by Labcorp Genetics (formerly Invitae), Labcorp); PubMed 10909849 (cited by Labcorp Genetics (formerly Invitae), Labcorp); PubMed 20507924 (cited by Labcorp Genetics (formerly Invitae), Labcorp); PubMed 25649381 (cited by Labcorp Genetics (formerly Invitae), Labcorp).